The following is an entry in ClinVar:

NM_001205293.3(CACNA1E):c.3994A>G (p.Asn1332Asp)

Gene: CACNA1E (calcium voltage-gated channel subunit alpha1 E; plus strand). Cytogenetic location: 1q25.3.
Variant type: single nucleotide variant.
Coding change: c.3994A>G on transcript NM_001205293.3 (MANE Select); coding-DNA position 3994, A replaced by G.
Protein change: p.Asn1332Asp; replaces asparagine 1332 with aspartic acid.
Molecular consequence: missense variant.
Genome position (GRCh38, 1-based): chr1:181,755,960, A>G. VCF-style: chr1-181755960-A-G. GRCh37 (hg19) VCF-style: chr1-181725096-A-G.
Other names: c.3994A>G, p.Asn1332Asp (NM_000721.4); c.3937A>G, p.Asn1313Asp (NM_001205294.2); short protein forms N1313D, N1332D.
Identifiers: ClinVar variation 4799999 (VCV004799999.1).

ClinVar aggregate classification (germline): Uncertain significance (1 of 4 stars; one submission).

Submission:

Labcorp Genetics (formerly Invitae), Labcorp
Classification: Uncertain significance. Last evaluated: 2025-07-30. Review status: criteria provided, single submitter. Criteria: Invitae Variant Classification Sherloc (09022015). Collection method: clinical testing. Allele origin: germline.
Comment: This sequence change replaces asparagine, which is neutral and polar, with aspartic acid, which is acidic and polar, at codon 1332 of the CACNA1E protein (p.Asn1332Asp). This variant is not present in population databases (gnomAD no frequency). This variant has not been reported in the literature in individuals affected with CACNA1E-related conditions. Invitae Evidence Modeling of protein sequence and biophysical properties (such as structural, functional, and spatial information, amino acid conservation, physicochemical variation, residue mobility, and thermodynamic stability) has been performed for this missense variant. However, the output from this modeling did not meet the statistical confidence thresholds required to predict the impact of this variant on CACNA1E protein function. In summary, the available evidence is currently insufficient to determine the role of this variant in disease. Therefore, it has been classified as a Variant of Uncertain Significance.